The following is an entry in ClinVar:

NM_002382.5(MAX):c.452G>A (p.Ser151Asn)

Gene: MAX (MYC associated transcriptional regulator X; minus strand). Cytogenetic location: 14q23.3.
Variant type: single nucleotide variant.
Coding change: c.452G>A on transcript NM_002382.5 (MANE Select); coding-DNA position 452, G replaced by A.
Protein change: p.Ser151Asn; replaces serine 151 with asparagine.
Molecular consequence: missense variant. On other transcripts: 3 prime UTR variant (1), intron variant (2).
Genome position (GRCh38, 1-based): chr14:65,076,507, C>T on the plus strand (G>A on the coding strand, the complement: MAX is on the minus strand). VCF-style: chr14-65076507-C-T. GRCh37 (hg19) VCF-style: chr14-65543225-C-T.
Other names: c.263G>A, p.Ser88Asn (NM_001320415.2, NM_001407105.1, NM_001407106.1 and 1 more transcripts); c.452G>A, p.Ser151Asn (NM_001407094.1); c.425G>A, p.Ser142Asn (NM_001407095.1, NM_145112.3); c.*225G>A (NM_001407096.1, NM_001407099.1, NM_001407102.1 and 2 more transcripts); c.*241G>A (NM_001407097.1, NM_001407100.1, NM_001407101.1 and 4 more transcripts); c.344G>A, p.Ser115Asn (NM_001407098.1); c.251G>A, p.Ser84Asn (NM_001407111.1, NM_001407112.1); c.144+17201G>A (NM_001271069.2); and 1 more; short protein forms S151N, S88N, S142N, S115N, S84N.
Identifiers: ClinVar variation 1366073 (VCV001366073.9), dbSNP rs2139739378, ClinGen allele CA390031232.

ClinVar aggregate classification (germline): Uncertain significance (1 of 4 stars; one submission).

Conditions:
Hereditary pheochromocytoma and paraganglioma. Also called: Hereditary paragangliomas and pheochromocytomas; Hereditary Paraganglioma-Pheochromocytoma Syndromes; Hereditary pheochromocytoma-paraganglioma. Identifiers: Orphanet 29072, MedGen C4274332, MONDO:0017366.

Submission:

Labcorp Genetics (formerly Invitae), Labcorp
Classification: Uncertain significance for Hereditary pheochromocytoma and paraganglioma. Last evaluated: 2021-07-06. Review status: criteria provided, single submitter. Criteria: Invitae Variant Classification Sherloc (09022015). Collection method: clinical testing. Allele origin: germline.
Comment: This sequence change replaces serine with asparagine at codon 151 of the MAX protein (p.Ser151Asn). The serine residue is moderately conserved and there is a small physicochemical difference between serine and asparagine. This variant is not present in population databases (ExAC no frequency). This variant has not been reported in the literature in individuals affected with MAX-related conditions. Algorithms developed to predict the effect of missense changes on protein structure and function output the following: SIFT: "Tolerated"; PolyPhen-2: "Benign"; Align-GVGD: "Class C0". The asparagine amino acid residue is found in multiple mammalian species, which suggests that this missense change does not adversely affect protein function. In summary, the available evidence is currently insufficient to determine the role of this variant in disease. Therefore, it has been classified as a Variant of Uncertain Significance.